The following is an entry in ClinVar:

NM_054027.6(ANKH):c.143T>A (p.Met48Lys)

Gene: ANKH (ANKH inorganic pyrophosphate transport regulator; minus strand). Cytogenetic location: 5p15.2.
Variant type: single nucleotide variant.
Coding change: c.143T>A on transcript NM_054027.6 (MANE Select); coding-DNA position 143, T replaced by A.
Protein change: p.Met48Lys; replaces methionine 48 with lysine.
Molecular consequence: missense variant.
Genome position (GRCh38, 1-based): chr5:14,769,145, A>T on the plus strand (T>A on the coding strand, the complement: ANKH is on the minus strand). VCF-style: chr5-14769145-A-T. GRCh37 (hg19) VCF-style: chr5-14769254-A-T.
Other names: short protein forms M48K.
Identifiers: ClinVar variation 3776584 (VCV003776584.1).

ClinVar aggregate classification (germline): Uncertain significance (1 of 4 stars; one submission).

Submission:

GeneDx
Classification: Uncertain significance. Last evaluated: 2024-10-07. Review status: criteria provided, single submitter. Criteria: GeneDx Variant Classification Process June 2021. Collection method: clinical testing. Allele origin: germline. Affected: yes.
Comment: Not observed at significant frequency in large population cohorts (gnomAD); In silico analysis indicates that this missense variant does not alter protein structure/function; Has not been previously published as pathogenic or benign to our knowledge